The following is an entry in ClinVar:

ClinVar aggregate classification (germline): Uncertain significance (1 of 4 stars; one submission).

Conditions:
Peroxisome biogenesis disorder 11A (Zellweger). Also called: Peroxisome biogenesis disorder 11A. Identifiers: Orphanet 912, MedGen C3554000, MONDO:0013949, OMIM 614883.

Allele frequency attached by ClinVar (database versions not stated): TOPMed 0.00002.
gnomAD v4.1: 7 of 1,614,036 alleles (0.00043%); highest among the groups gnomAD compares: African/African-American, 0.008%; no homozygotes.

Submission:

Labcorp Genetics (formerly Invitae), Labcorp
Classification: Uncertain significance for Peroxisome biogenesis disorder 11A (Zellweger). Last evaluated: 2022-07-05. Review status: criteria provided, single submitter. Criteria: Invitae Variant Classification Sherloc (09022015). Collection method: clinical testing. Allele origin: germline.
Comment: In summary, the available evidence is currently insufficient to determine the role of this variant in disease. Therefore, it has been classified as a Variant of Uncertain Significance. Algorithms developed to predict the effect of missense changes on protein structure and function output the following: SIFT: "Tolerated"; PolyPhen-2: "Benign"; Align-GVGD: "Class C0". The proline amino acid residue is found in multiple mammalian species, which suggests that this missense change does not adversely affect protein function. ClinVar contains an entry for this variant (Variation ID: 1381514). This variant has not been reported in the literature in individuals affected with PEX13-related conditions. This variant is present in population databases (rs747286284, gnomAD 0.01%). This sequence change replaces serine, which is neutral and polar, with proline, which is neutral and non-polar, at codon 349 of the PEX13 protein (p.Ser349Pro).

NM_002618.4(PEX13):c.1045T>C (p.Ser349Pro)

Gene: PEX13 (peroxisomal biogenesis factor 13; plus strand). Cytogenetic location: 2p15.
Variant type: single nucleotide variant.
Coding change: c.1045T>C on transcript NM_002618.4 (MANE Select); coding-DNA position 1045, T replaced by C.
Protein change: p.Ser349Pro; replaces serine 349 with proline.
Molecular consequence: missense variant.
Genome position (GRCh38, 1-based): chr2:61,048,603, T>C. VCF-style: chr2-61048603-T-C. GRCh37 (hg19) VCF-style: chr2-61275738-T-C.
Other names: short protein forms S349P.
Identifiers: ClinVar variation 1381514 (VCV001381514.4), dbSNP rs747286284, ClinGen allele CA1673420.